The following is an entry in ClinVar:

NC_012920.1(MT-ND6):m.14405A>G

Gene: MT-ND6 (mitochondrially encoded NADH dehydrogenase 6; minus strand).
Variant type: single nucleotide variant.
Genome position: chrM-14405-A-G.
Identifiers: ClinVar variation 693719 (VCV000693719.1), dbSNP rs1603224713, ClinGen allele CA414822325.
Genomic context (GRCh38, chrMT:14,405, plus strand): 5'-TCATACTCTTTCACCCACAGCACCAATCCTACCTCCATCGCTAACCCCACTAAAACACTC[A>G]CCAAGACCTCAACCCCTGACCCCCATGCCTCAGGATACTCCTCAATAGCCATCGCTGTAG-3'

ClinVar aggregate classification (germline): Benign (1 of 4 stars; one submission).

Conditions:
Leigh syndrome (NULS). Also called: Leigh's necrotizing encephalopathy; Leigh's disease; Leigh's syndrome; LEIGH SYNDROME, NUCLEAR; Leigh Syndrome (mtDNA deletion); Leigh Disease. Identifiers: Orphanet 506, MedGen C2931891, MONDO:0009723, OMIM 256000.

Submission:

Wong Mito Lab, Molecular and Human Genetics, Baylor College of Medicine
Classification: Benign for Leigh syndrome. Last evaluated: 2019-10-17. Review status: criteria provided, single submitter. Criteria: Modified ACMG Guidelines (Unpublished). Collection method: clinical testing. Allele origin: germline.
Comment: The NC_012920.1:m.14405A>G (YP_003024037.1:p.Val90Ala) variant in MTND6 gene is interpretated to be a Benign variant based on the modified ACMG guidelines (unpublished). This variant meets the following evidence codes: BS1, BS2, BP4